The following is an entry in ClinVar:

ClinVar aggregate classification (germline): Pathogenic (1 of 4 stars; one submission).

Conditions:
Argininosuccinate lyase deficiency. Also called: ARGININOSUCCINIC ACID LYASE DEFICIENCY; ASL DEFICIENCY; Argininosuccinic aciduria. Identifiers: Orphanet 23, MedGen C0268547, MONDO:0008815, OMIM 207900, HP:0025630.

Submission:

Labcorp Genetics (formerly Invitae), Labcorp
Classification: Pathogenic for Argininosuccinate lyase deficiency. Last evaluated: 2023-09-17. Review status: criteria provided, single submitter. Criteria: Invitae Variant Classification Sherloc (09022015). Collection method: clinical testing. Allele origin: germline.
Comment: For these reasons, this variant has been classified as Pathogenic. This variant disrupts a region of the ASL protein in which other variant(s) (p.Arg456Trp) have been determined to be pathogenic (PMID: 17326097, 19703900, 24166829, 26843370). This suggests that this is a clinically significant region of the protein, and that variants that disrupt it are likely to be disease-causing. Variants that disrupt the consensus splice site are a relatively common cause of aberrant splicing (PMID: 17576681, 9536098). Algorithms developed to predict the effect of sequence changes on RNA splicing suggest that this variant may disrupt the consensus splice site. This variant has not been reported in the literature in individuals affected with ASL-related conditions. This variant is not present in population databases (gnomAD no frequency). This sequence change affects a donor splice site in intron 16 of the ASL gene. While this variant is not anticipated to result in nonsense mediated decay, it likely alters RNA splicing and results in a disrupted protein product.

Literature cited by the submitters: PubMed 17326097; PubMed 19703900; PubMed 24166829; PubMed 26843370; PubMed 17576681; PubMed 9536098.

NM_000048.4(ASL):c.1250+1G>A

Gene: ASL (argininosuccinate lyase; plus strand). Cytogenetic location: 7q11.21.
Variant type: single nucleotide variant.
Coding change: c.1250+1G>A on transcript NM_000048.4 (MANE Select); the canonical splice donor site of the intron after coding-DNA position 1250, G replaced by A.
Molecular consequence: splice donor variant.
Genome position (GRCh38, 1-based): chr7:66,092,664, G>A. VCF-style: chr7-66092664-G-A. GRCh37 (hg19) VCF-style: chr7-65557651-G-A.
Other names: c.1190+1G>A (NM_001024944.2); c.1172+1G>A (NM_001024946.2); c.1250+1G>A (NM_001024943.2).
Identifiers: ClinVar variation 2788381 (VCV002788381.3), dbSNP rs2485031310, ClinGen allele CA367652203.
Genomic context (GRCh38, chr7:66,092,664, plus strand): 5'-GGCCGAGACCAAGGGGGTCGCCCTCAACCAGCTGTCACTGCAGGAGCTGCAGACCATCAG[G>A]TACGGCCCATCCCCTTCCCCATGCTGCCTCCTAGGAAGTGAGCCTGGGTGCCTGGAGCCC-3'